The following is an entry in ClinVar:

ClinVar aggregate classification (germline): Uncertain significance. Review status: criteria provided, multiple submitters, no conflicts (2 of 4 stars). 3 submissions from 3 submitters: Uncertain significance (3). Last evaluated 2025-07-11.

Conditions:
Cardiovascular phenotype. Identifiers: MedGen CN230736.

Allele frequency attached by ClinVar (database versions not stated): ExAC 0.00004; gnomAD 0.00003; TOPMed 0.00005; gnomAD exomes 0.00002.
gnomAD v4.1: 32 of 1,562,234 alleles (0.002%); highest among the groups gnomAD compares: African/African-American, 0.0027%; no homozygotes.

Submissions (3):

GeneDx
Classification: Uncertain significance. Last evaluated: 2025-07-11. Review status: criteria provided, single submitter. Criteria: GeneDx Variant Classification Process June 2021. Collection method: clinical testing. Allele origin: germline. Affected: yes.
Comment: Not observed at significant frequency in large population cohorts (gnomAD); In silico analysis supports that this missense variant has a deleterious effect on protein structure/function; Has not been previously published as pathogenic or benign to our knowledge

Women's Health and Genetics/Laboratory Corporation of America, LabCorp
Classification: Uncertain significance. Last evaluated: 2025-06-23. Review status: criteria provided, single submitter. Criteria: LabCorp Variant Classification Summary - May 2015. Collection method: clinical testing. Allele origin: germline.
Comment: Variant summary: TNXB c.1237C>T (p.Arg413Cys) results in a non-conservative amino acid change in the encoded protein sequence. Algorithms developed to predict the effect of missense changes on protein structure and function are either unavailable or do not agree on the potential impact of this missense change. The variant allele was found at a frequency of 1.3e-05 in 155798 control chromosomes. The available data on variant occurrences in the general population are insufficient to allow any conclusion about variant significance. To our knowledge, no occurrence of c.1237C>T in individuals affected with Ehlers-Danlos syndrome due to tenascin-X deficiency and no experimental evidence demonstrating its impact on protein function have been reported. ClinVar contains an entry for this variant (Variation ID: 3180902). Based on the evidence outlined above, the variant was classified as uncertain significance.

Ambry Genetics
Classification: Uncertain significance for Cardiovascular phenotype. Last evaluated: 2023-12-20. Review status: criteria provided, single submitter. Criteria: Ambry Variant Classification Scheme 2023. Collection method: clinical testing. Allele origin: germline.

NM_001365276.2(TNXB):c.1237C>T (p.Arg413Cys)

Gene: TNXB (tenascin XB; minus strand). Cytogenetic location: 6p21.33.
Variant type: single nucleotide variant.
Coding change: c.1237C>T on transcript NM_001365276.2 (MANE Select); coding-DNA position 1237, C replaced by T.
Protein change: p.Arg413Cys; replaces arginine 413 with cysteine.
Molecular consequence: missense variant.
Genome position (GRCh38, 1-based): chr6:32,096,616, G>A on the plus strand (C>T on the coding strand, the complement: TNXB is on the minus strand). VCF-style: chr6-32096616-G-A. GRCh37 (hg19) VCF-style: chr6-32064393-G-A.
Other names: c.1237C>T, p.Arg413Cys (NM_001428335.1, NM_019105.8); short protein forms R413C.
Identifiers: ClinVar variation 3180902 (VCV003180902.3), dbSNP rs771629935, ClinGen allele CA3735716.